The following is an entry in ClinVar:

ClinVar aggregate classification (germline): Uncertain significance. Review status: criteria provided, single submitter (1 of 4 stars). 2 submissions from 2 submitters: Uncertain significance (1). 1 of the submissions does not count toward it. Last evaluated 2021-09-11.

Conditions:
Ataxia-telangiectasia syndrome (AT). Also called: Cerebello-oculocutaneous telangiectasia; Immunodeficiency with ataxia telangiectasia; ATAXIA-TELANGIECTASIA, COMPLEMENTATION GROUP A; ATAXIA-TELANGIECTASIA, FRESNO VARIANT; LOUIS-BAR SYNDROME; Ataxia-telangiectasia, complementation group E. Identifiers: Orphanet 100, MedGen C0004135, MONDO:0008840, OMIM 208900.

Submissions (2):

Labcorp Genetics (formerly Invitae), Labcorp
Classification: Uncertain significance for Ataxia-telangiectasia syndrome. Last evaluated: 2021-09-11. Review status: criteria provided, single submitter. Criteria: Invitae Variant Classification Sherloc (09022015). Collection method: clinical testing. Allele origin: germline.
Comment: This sequence change replaces proline with serine at codon 1639 of the ATM protein (p.Pro1639Ser). The proline residue is moderately conserved and there is a moderate physicochemical difference between proline and serine. This variant is not present in population databases (ExAC no frequency). In summary, the available evidence is currently insufficient to determine the role of this variant in disease. Therefore, it has been classified as a Variant of Uncertain Significance. Algorithms developed to predict the effect of missense changes on protein structure and function are either unavailable or do not agree on the potential impact of this missense change (SIFT: "Tolerated"; PolyPhen-2: "Possibly Damaging"; Align-GVGD: "Class C0"). This variant has not been reported in the literature in individuals affected with ATM-related conditions.

Natera, Inc.
Classification: Uncertain significance for Ataxia-telangiectasia. Last evaluated: 2020-01-29. Review status: no assertion criteria provided. Collection method: clinical testing. Allele origin: germline. Not counted in ClinVar's aggregate classification.

NM_000051.4(ATM):c.4915C>T (p.Pro1639Ser)

Gene: ATM (ATM serine/threonine kinase; plus strand). Cytogenetic location: 11q22.3.
Variant type: single nucleotide variant.
Coding change: c.4915C>T on transcript NM_000051.4 (MANE Select); coding-DNA position 4915, C replaced by T.
Protein change: p.Pro1639Ser; replaces proline 1639 with serine.
Molecular consequence: missense variant.
Genome position (GRCh38, 1-based): chr11:108,297,292, C>T. VCF-style: chr11-108297292-C-T. GRCh37 (hg19) VCF-style: chr11-108168019-C-T.
Other names: c.4915C>T, p.Pro1639Ser (NM_001351834.2); short protein forms P1639S.
Identifiers: ClinVar variation 1013661 (VCV001013661.10), dbSNP rs1565469722, ClinGen allele CA382538004.